The following is an entry in ClinVar:

NM_014208.3(DSPP):c.19T>G (p.Phe7Val)

Genes: DMP1-AS1 (DMP1 and DSPP antisense RNA 1; minus strand), DSPP (dentin sialophosphoprotein; plus strand). Cytogenetic location: 4q22.1.
Variant type: single nucleotide variant.
Coding change: c.19T>G on transcript NM_014208.3 (MANE Select); coding-DNA position 19, T replaced by G.
Protein change: p.Phe7Val; replaces phenylalanine 7 with valine.
Molecular consequence: missense variant.
Genome position (GRCh38, 1-based): chr4:87,610,927, T>G. VCF-style: chr4-87610927-T-G. GRCh37 (hg19) VCF-style: chr4-88532079-T-G.
Other names: short protein forms F7V.
Identifiers: ClinVar variation 1314764 (VCV001314764.2), dbSNP rs778650282, ClinGen allele CA357601852.
Genomic context (GRCh38, chr4:87,610,927, plus strand): 5'-CCTTTTTTATACAGCCATTGATTATTATTATTCCTAAAGAAAATGAAGATAATTACATAT[T>G]TTTGCATTTGGGCAGTAGCATGGGCCATTCCAGTAAGTATGCCTTTCTTAGAAAACCTCT-3'
Protein context (NP_055023.2, residues 1-17): MKIITY[Phe7Val]CIWAVAWAIP

ClinVar aggregate classification (germline): Uncertain significance (1 of 4 stars; one submission).

Submission:

GeneDx
Classification: Uncertain significance. Last evaluated: 2021-04-27. Review status: criteria provided, single submitter. Criteria: GeneDx Variant Classification Process June 2021. Collection method: clinical testing. Allele origin: germline. Affected: yes.
Comment: Not observed in large population cohorts (Lek et al., 2016); In silico analysis supports that this missense variant does not alter protein structure/function; Has not been previously published as pathogenic or benign to our knowledge